The following is an entry in ClinVar:

ClinVar aggregate classification (germline): Likely pathogenic (1 of 4 stars; one submission).

Conditions:
Multiple sulfatase deficiency (MSD). Also called: Mucosulfatidosis; Multiple Sulfatase Deficiency Disease; Sulfatidosis, Juvenile, Austin Type. Identifiers: Orphanet 585, MedGen C0268263, MONDO:0010088, OMIM 272200.

Submission:

Natera, Inc.
Classification: Likely pathogenic for Multiple sulfatase deficiency. Last evaluated: 2024-04-15. Review status: criteria provided, single submitter. Criteria: Natera Variant Classification Schema (03/2026). Collection method: clinical testing. Allele origin: germline.
Comment: The c.731delT variant in SUMF1 is a frameshift variant predicted to shift the reading frame beginning at codon 244 and leads to a stop codon 24 codons downstream. This variant is expected to result in nonsense mediated decay, truncation, or a dysfunctional protein product. This variant is rare in the general population with a frequency below the threshold expected for the associated phenotype(s). Given the available evidence, this variant is classified as Likely Pathogenic.

NM_182760.4(SUMF1):c.731del (p.Phe244fs)

Gene: SUMF1 (sulfatase modifying factor 1; minus strand). Cytogenetic location: 3p26.1.
Variant type: Deletion.
Coding change: c.731del on transcript NM_182760.4 (MANE Select); coding-DNA position 731, one base deleted (T; older notation c.731delT).
Protein change: p.Phe244fs; shifts the reading frame from phenylalanine 244.
Molecular consequence: frameshift variant.
Genome position (GRCh38, 1-based): chr3:4,417,237, A deleted on the plus strand (T on the coding strand, the reverse complement: SUMF1 is on the minus strand); the first of 4 consecutive A bases (chr3:4,417,237-4,417,240); deleting any one gives the same sequence. VCF-style (leftmost placement, unchanged base first): chr3-4417236-GA-G. GRCh37 (hg19) VCF-style: chr3-4458920-GA-G.
Other names: c.656del, p.Phe219fs (NM_001164674.2); c.731del, p.Phe244fs (NM_001164675.2); short protein forms F219fs, F244fs.
Identifiers: ClinVar variation 4817002 (VCV004817002.1).